The following is an entry in ClinVar:

NM_001130987.2(DYSF):c.1692+206C>T

Gene: DYSF (dysferlin; plus strand). Cytogenetic location: 2p13.2.
Variant type: single nucleotide variant.
Coding change: c.1692+206C>T on transcript NM_001130987.2 (MANE Select); 206 bases into the intron after coding-DNA position 1692, C replaced by T.
Molecular consequence: intron variant.
Genome position (GRCh38, 1-based): chr2:71,551,362, C>T. VCF-style: chr2-71551362-C-T. GRCh37 (hg19) VCF-style: chr2-71778492-C-T.
Other names: c.1731+206C>T (NM_001130979.2); c.1689+206C>T (NM_001130981.2, NM_001130980.2); c.1638+206C>T (NM_001130978.2, NM_003494.4); c.1596+206C>T (NM_001130977.2, NM_001130976.2); c.1734+206C>T (NM_001130982.2); c.1692+206C>T (NM_001130985.2); c.1641+206C>T (NM_001130983.2, NM_001130455.2); c.1599+206C>T (NM_001130984.2, NM_001130986.2).
Identifiers: ClinVar variation 681748 (VCV000681748.1), dbSNP rs76509802, ClinGen allele CA49793188.

ClinVar aggregate classification (germline): Likely benign (1 of 4 stars; one submission).

Allele frequency attached by ClinVar (database versions not stated): 1000 Genomes Project 0.01218; 1000 Genomes Project 30x 0.01249; TOPMed 0.01507; gnomAD 0.01637 and 0.01665.
gnomAD v4.1: 2,495 of 152,354 alleles (1.6%); highest among the groups gnomAD compares: Admixed American, 2.2%; 38 homozygotes.

Submission:

GeneDx
Classification: Likely benign. Last evaluated: 2018-06-16. Review status: criteria provided, single submitter. Criteria: GeneDx Variant Classification (06012015). Collection method: clinical testing. Allele origin: germline. Affected: yes.
Comment: This variant is considered likely benign or benign based on one or more of the following criteria: it is a conservative change, it occurs at a poorly conserved position in the protein, it is predicted to be benign by multiple in silico algorithms, and/or has population frequency not consistent with disease.